The following is an entry in ClinVar:

ClinVar aggregate classification (germline): Uncertain significance. Review status: criteria provided, multiple submitters, no conflicts (2 of 4 stars). 3 submissions from 3 submitters: Uncertain significance (2). 1 of the submissions does not count toward it. Last evaluated 2026-07-06.

Conditions:
PEX6-related disorder. Also called: PEX6-related condition; PEX6-related disorders.
Peroxisome biogenesis disorder. Identifiers: Orphanet 79189, MedGen C1832200, MONDO:0019234. Disease mechanism: loss of function.
Zellweger spectrum disorders (ZS). Also called: Zellweger Spectrum Disorder; Zellweger Spectrum; Zellweger syndrome; Zellweger Spectrum Disorder (ZSD). Identifiers: Orphanet 912, MedGen C0043459, MONDO:0019609.

Submissions (3):

PreventionGenetics, part of Exact Sciences
Classification: Uncertain significance for PEX6-related condition. Last evaluated: 2026-07-06. Review status: criteria provided, single submitter. Criteria: ACMG Guidelines, 2015. Collection method: clinical testing. Allele origin: germline.
Comment: The PEX6 c.283_288del6 variant is predicted to result in an in-frame deletion (p.Arg95_Ala96del). To our knowledge, this variant has not been reported in the literature or in a large population database (gnomAD), indicating this variant is rare. At this time, the clinical significance of this variant is uncertain due to the absence of conclusive functional and genetic evidence.

Labcorp Genetics (formerly Invitae), Labcorp
Classification: Uncertain significance for Peroxisome biogenesis disorder. Last evaluated: 2021-09-01. Review status: criteria provided, single submitter. Criteria: Invitae Variant Classification Sherloc (09022015). Collection method: clinical testing. Allele origin: germline.
Comment: This variant, c.283_288del, results in the deletion of 2 amino acid(s) of the PEX6 protein (p.Arg95_Ala96del), but otherwise preserves the integrity of the reading frame. The frequency data for this variant in the population databases is considered unreliable, as metrics indicate insufficient coverage at this position in the ExAC database. This variant has not been reported in the literature in individuals affected with PEX6-related conditions. Algorithms developed to predict the effect of sequence changes on RNA splicing suggest that this variant may create or strengthen a splice site. In summary, the available evidence is currently insufficient to determine the role of this variant in disease. Therefore, it has been classified as a Variant of Uncertain Significance.

Natera, Inc.
Classification: Uncertain significance for Zellweger syndrome. Last evaluated: 2020-02-02. Review status: no assertion criteria provided. Collection method: clinical testing. Allele origin: germline. Not counted in ClinVar's aggregate classification.

NM_000287.4(PEX6):c.277CGGGCG[1] (p.93RA[1])

Gene: PEX6 (peroxisomal biogenesis factor 6; minus strand). Cytogenetic location: 6p21.1.
Variant type: Microsatellite.
Coding change: c.277CGGGCG[1] on transcript NM_000287.4 (MANE Select); one copy of the 6-base unit CGGGCG starting at c.277; the reference has two copies in a row; one copy, 6 bases deleted; also written c.283_288del.
Protein change: p.93RA[1].
Molecular consequence: inframe deletion. On other transcripts: non-coding transcript variant (1).
Genome position (GRCh38, 1-based): chr6:42,978,863-42,978,868, CGCCCG deleted on the plus strand (CGGGCG on the coding strand, the reverse complement: PEX6 is on the minus strand); deleting any 6 consecutive bases within chr6:42,978,863-42,978,875 gives the same sequence; the position shown is the placement nearest the transcript's 3' end. VCF-style (leftmost placement, unchanged base first): chr6-42978862-CCGCCCG-C. GRCh37 (hg19) VCF-style: chr6-42946600-CCGCCCG-C.
Other names: c.283_288del (NM_000287.4); c.277CGGGCG[1], p.93RA[1] (NM_001316313.2); c.283_288del6 (NM_000287.3).
Identifiers: ClinVar variation 933943 (VCV000933943.9), dbSNP rs61753208, ClinGen allele CA138238543.